The following is an entry in ClinVar:

ClinVar aggregate classification (germline): Uncertain significance (1 of 4 stars; one submission).

Submission:

Labcorp Genetics (formerly Invitae), Labcorp
Classification: Uncertain significance. Last evaluated: 2025-11-01. Review status: criteria provided, single submitter. Criteria: Invitae Variant Classification Sherloc (09022015). Collection method: clinical testing. Allele origin: germline.
Comment: This sequence change creates a premature translational stop signal (p.Gly201Profs*18) in the ALPK3 gene. It is unclear whether it will result in an absent or disrupted protein product because an in-frame methionine located at codon 203 has the potential to rescue this truncating variant. The frequency data for this variant in the population databases is considered unreliable, as metrics indicate insufficient coverage at this position in the gnomAD database. This variant has not been reported in the literature in individuals affected with ALPK3-related conditions. ClinVar contains an entry for this variant (Variation ID: 2876284). Experimental studies and prediction algorithms are not available or were not evaluated, and the functional significance of this variant is currently unknown. In summary, the available evidence is currently insufficient to determine the role of this variant in disease. Therefore, it has been classified as a Variant of Uncertain Significance.

NM_020778.5(ALPK3):c.-6_17del (p.Met1fs)

Gene: ALPK3 (alpha kinase 3; plus strand). Cytogenetic location: 15q25.3.
Variant type: Deletion.
Coding change: c.-6_17del on transcript NM_020778.5 (MANE Select); 6 bases upstream of the start codon through coding-DNA position 17, 23 bases deleted (GGTGCCATGGGGTCGCGGAGGGC).
Protein change: p.Met1fs; shifts the reading frame from methionine 1.
Molecular consequence: frameshift variant, initiator codon variant.
Genome position (GRCh38, 1-based): chr15:84,817,447-84,817,469, GGTGCCATGGGGTCGCGGAGGGC deleted; deleting any 23 consecutive bases within chr15:84,817,440-84,817,469 gives the same sequence; the c. name uses the placement nearest the transcript's 3' end. VCF-style (leftmost placement, unchanged base first): chr15-84817439-GGGAGGGCGGTGCCATGGGGTCGC-G. GRCh37 (hg19) VCF-style: chr15-85360670-GGGAGGGCGGTGCCATGGGGTCGC-G.
Other names: short protein forms M1fs.
Identifiers: ClinVar variation 2876284 (VCV002876284.3), dbSNP rs2505689071, ClinGen allele CA2630108398.
Genomic context (GRCh38, chr15:84,817,439, plus strand): 5'-GCCCGGGGGCCGGGGCCTGGAGGACAGGCGAGGCAGCGGCGAGTGCGGGGCCGGCGGTCG[GGGAGGGCGGTGCCATGGGGTCGC>G]GGAGGGCCCCCAGCCGGGGCTGGGGCGCGGGTGGGCGGTCGGGGGCGGGGGGCGACGGTG-3'